The following is an entry in ClinVar:

ClinVar aggregate classification (germline): Uncertain significance (1 of 4 stars; one submission).

Conditions:
Inborn genetic diseases. Identifiers: MedGen C0950123, MeSH D030342.

Submission:

Ambry Genetics
Classification: Uncertain significance for Inborn genetic diseases. Last evaluated: 2023-07-10. Review status: criteria provided, single submitter. Criteria: Ambry Variant Classification Scheme 2023. Collection method: clinical testing. Allele origin: germline.
Comment: The p.F299L variant (also known as c.895T>C), located in coding exon 7 of the SLC17A5 gene, results from a T to C substitution at nucleotide position 895. The phenylalanine at codon 299 is replaced by leucine, an amino acid with highly similar properties. This amino acid position is conserved. In addition, this alteration is predicted to be deleterious by in silico analysis. Since supporting evidence is limited at this time, the clinical significance of this alteration remains unclear.

NM_012434.5(SLC17A5):c.895T>C (p.Phe299Leu)

Gene: SLC17A5 (solute carrier family 17 member 5; minus strand). Cytogenetic location: 6q13.
Variant type: single nucleotide variant.
Coding change: c.895T>C on transcript NM_012434.5 (MANE Select); coding-DNA position 895, T replaced by C.
Protein change: p.Phe299Leu; replaces phenylalanine 299 with leucine.
Molecular consequence: missense variant. On other transcripts: intron variant (1).
Genome position (GRCh38, 1-based): chr6:73,621,887, A>G on the plus strand (T>C on the coding strand, the complement: SLC17A5 is on the minus strand). VCF-style: chr6-73621887-A-G. GRCh37 (hg19) VCF-style: chr6-74331610-A-G.
Other names: c.664T>C, p.Phe222Leu (NM_001382629.1); c.895T>C, p.Phe299Leu (NM_001382630.1, NM_001382633.1); c.916T>C, p.Phe306Leu (NM_001382631.1); c.808T>C, p.Phe270Leu (NM_001382632.1); c.892T>C, p.Phe298Leu (NM_001382635.1); c.577T>C, p.Phe193Leu (NM_001382636.1); c.820-6440T>C (NM_001382634.1); short protein forms F193L, F299L, F222L, F270L, F306L, F298L.
Identifiers: ClinVar variation 2273300 (VCV002273300.2), dbSNP rs367841559, ClinGen allele CA3890398.